The following is an entry in ClinVar:

ClinVar aggregate classification (germline): Uncertain significance. Review status: criteria provided, multiple submitters, no conflicts (2 of 4 stars). 3 submissions from 3 submitters: Uncertain significance (3). Last evaluated 2025-09-24.

Conditions:
Fanconi anemia (FA). Also called: Fanconi's anemia. Identifiers: Orphanet 84, MedGen C0015625, MeSH D005199, MONDO:0019391.
Inborn genetic diseases. Identifiers: MedGen C0950123, MeSH D030342.

Allele frequency attached by ClinVar (database versions not stated): gnomAD 0.00002; gnomAD exomes 0.00002.
gnomAD v4.1: 37 of 1,614,040 alleles (0.0023%); highest among the groups gnomAD compares: Non-Finnish European, 0.0031%; no homozygotes.

Submissions (3):

Labcorp Genetics (formerly Invitae), Labcorp
Classification: Uncertain significance for Fanconi anemia. Last evaluated: 2025-09-24. Review status: criteria provided, single submitter. Criteria: Invitae Variant Classification Sherloc (09022015). Collection method: clinical testing. Allele origin: germline.
Comment: This sequence change replaces isoleucine, which is neutral and non-polar, with leucine, which is neutral and non-polar, at codon 699 of the FANCA protein (p.Ile699Leu). This variant is present in population databases (no rsID available, gnomAD 0.002%). This variant has not been reported in the literature in individuals affected with FANCA-related conditions. ClinVar contains an entry for this variant (Variation ID: 2062139). Invitae Evidence Modeling of protein sequence and biophysical properties (such as structural, functional, and spatial information, amino acid conservation, physicochemical variation, residue mobility, and thermodynamic stability) indicates that this missense variant is not expected to disrupt FANCA protein function with a negative predictive value of 95%. In summary, the available evidence is currently insufficient to determine the role of this variant in disease. Therefore, it has been classified as a Variant of Uncertain Significance.

Ambry Genetics
Classification: Uncertain significance for Inborn genetic diseases. Last evaluated: 2024-12-07. Review status: criteria provided, single submitter. Criteria: Ambry Variant Classification Scheme 2023. Collection method: clinical testing. Allele origin: germline.
Comment: The p.I699L variant (also known as c.2095A>T), located in coding exon 23 of the FANCA gene, results from an A to T substitution at nucleotide position 2095. The isoleucine at codon 699 is replaced by leucine, an amino acid with highly similar properties. This amino acid position is conserved. In addition, this alteration is predicted to be tolerated by in silico analysis. Based on the available evidence, the clinical significance of this variant remains unclear.

Quest Diagnostics Nichols Institute San Juan Capistrano
Classification: Uncertain significance. Last evaluated: 2024-03-05. Review status: criteria provided, single submitter. Criteria: Quest Diagnostics criteria. Collection method: clinical testing. Allele origin: unknown.
Comment: The FANCA c.2095A>T (p.Ile699Leu) variant has not been reported in individuals with FANCA-related conditions in the published literature. The frequency of this variant in the general population, 0.0000071 (2/282884 chromosomes (Genome Aggregation Database)), is uninformative in the assessment of its pathogenicity. Analysis of this variant using bioinformatics tools for the prediction of the effect of amino acid changes on protein structure and function yielded predictions that this variant is benign. Based on the available information, we are unable to determine the clinical significance of this variant.

NM_000135.4(FANCA):c.2095A>T (p.Ile699Leu)

Gene: FANCA (FA complementation group A; minus strand). Cytogenetic location: 16q24.3.
Variant type: single nucleotide variant.
Coding change: c.2095A>T on transcript NM_000135.4 (MANE Select); coding-DNA position 2095, A replaced by T.
Protein change: p.Ile699Leu; replaces isoleucine 699 with leucine.
Molecular consequence: missense variant.
Genome position (GRCh38, 1-based): chr16:89,771,734, T>A on the plus strand (A>T on the coding strand, the complement: FANCA is on the minus strand). VCF-style: chr16-89771734-T-A. GRCh37 (hg19) VCF-style: chr16-89838142-T-A.
Other names: c.2095A>T, p.Ile699Leu (NM_001286167.3); c.2095A>T (NM_000135.3); short protein forms I699L.
Identifiers: ClinVar variation 2062139 (VCV002062139.6), dbSNP rs964843904, ClinGen allele CA286566552.